The following is an entry in ClinVar:

ClinVar aggregate classification (germline): Benign/Likely benign. Review status: criteria provided, multiple submitters, no conflicts (2 of 4 stars). 11 submissions from 10 submitters: Benign (9); Likely benign (2). Last evaluated 2026-02-03.

Conditions:
Cardiovascular phenotype. Identifiers: MedGen CN230736.
Dilated cardiomyopathy 1J (CMD1J). Also called: CARDIOMYOPATHY, DILATED, WITH SENSORINEURAL HEARING LOSS, AUTOSOMAL DOMINANT. Identifiers: Orphanet 217622, MedGen C1854368, MONDO:0011541, OMIM 605362.
Autosomal dominant nonsyndromic hearing loss 10. Identifiers: Orphanet 90635, MedGen C1832476, MONDO:0011031, OMIM 601316.
Hypertrophic cardiomyopathy. Also called: HYPERTROPHIC MYOCARDIOPATHY. Identifiers: Orphanet 217569, MedGen C0007194, MeSH D002312, MONDO:0005045, HP:0001639.

Allele frequency attached by ClinVar (database versions not stated): gnomAD exomes 0.00084 and 0.00212; ExAC 0.00259; gnomAD 0.00796 and 0.00860; ESP Exome Variant Server 0.00861; TOPMed 0.00903; 1000 Genomes Project 0.00958; 1000 Genomes Project 30x 0.01124.
gnomAD v4.1: 2,470 of 1,612,918 alleles (0.15%); highest among the groups gnomAD compares: African/African-American, 2.7%; 32 homozygotes.

Submissions (11):

Labcorp Genetics (formerly Invitae), Labcorp
Classification: Benign for Dilated cardiomyopathy 1J. Last evaluated: 2026-02-03. Review status: criteria provided, single submitter. Criteria: Invitae Variant Classification Sherloc (09022015). Collection method: clinical testing. Allele origin: germline.

ARUP Laboratories, Molecular Genetics and Genomics, ARUP Laboratories
Classification: Benign. Last evaluated: 2021-01-20. Review status: criteria provided, single submitter. Criteria: ARUP Molecular Germline Variant Investigation Process 2021. Collection method: clinical testing. Allele origin: germline.

Women's Health and Genetics/Laboratory Corporation of America, LabCorp
Classification: Benign. Last evaluated: 2019-10-29. Review status: criteria provided, single submitter. Criteria: LabCorp Variant Classification Summary - May 2015. Collection method: clinical testing. Allele origin: germline.
Comment: Variant summary: EYA4 c.905G>A (p.Gly302Asp) results in a non-conservative amino acid change in the encoded protein sequence. Five of five in-silico tools predict a damaging effect of the variant on protein function. The variant allele was found at a frequency of 0.0021 in 250630 control chromosomes, predominantly at a frequency of 0.028 within the African or African-American subpopulation in the gnomAD database, including 13 homozygotes. The observed variant frequency within African or African-American control individuals in the gnomAD database is approximately 1120 fold of the estimated maximal expected allele frequency for a pathogenic variant in EYA4 causing Cardiomyopathy phenotype (2.5e-05), strongly suggesting that the variant is a benign polymorphism found primarily in populations of African or African-American origin. Four clinical diagnostic laboratories have submitted clinical-significance assessments for this variant to ClinVar after 2014 without evidence for independent evaluation. All laboratories classified the variant as benign. Based on the evidence outlined above, the variant was classified as benign.

GeneDx
Classification: Benign. Last evaluated: 2018-03-12. Review status: criteria provided, single submitter. Criteria: GeneDx Variant Classification (06012015). Collection method: clinical testing. Allele origin: germline. Affected: yes.
Comment: This variant is considered likely benign or benign based on one or more of the following criteria: it is a conservative change, it occurs at a poorly conserved position in the protein, it is predicted to be benign by multiple in silico algorithms, and/or has population frequency not consistent with disease.

Illumina Laboratory Services, Illumina
Classification: Benign for Autosomal dominant nonsyndromic hearing loss 10. Last evaluated: 2018-01-13. Review status: criteria provided, single submitter. Criteria: ICSL Variant Classification Criteria 13 December 2019. Collection method: clinical testing. Allele origin: germline.
Comment: This variant was observed in the ICSL laboratory as part of a predisposition screen in an ostensibly healthy population. It had not been previously curated by ICSL or reported in the Human Gene Mutation Database (HGMD: prior to June 1st, 2018), and was therefore a candidate for classification through an automated scoring system. Utilizing variant allele frequency, disease prevalence and penetrance estimates, and inheritance mode, an automated score was calculated to assess if this variant is too frequent to cause the disease. Based on the score and internal cut-off values, a variant classified as benign is not then subjected to further curation. The score for this variant resulted in a classification of benign for this disease.

Illumina Laboratory Services, Illumina
Classification: Likely benign for Dilated cardiomyopathy 1J. Last evaluated: 2018-01-13. Review status: criteria provided, single submitter. Criteria: ICSL Variant Classification Criteria 13 December 2019. Collection method: clinical testing. Allele origin: germline.
Comment: This variant was observed in the ICSL laboratory as part of a predisposition screen in an ostensibly healthy population. It had not been previously curated by ICSL or reported in the Human Gene Mutation Database (HGMD: prior to June 1st, 2018), and was therefore a candidate for classification through an automated scoring system. Utilizing variant allele frequency, disease prevalence and penetrance estimates, and inheritance mode, an automated score was calculated to assess if this variant is too frequent to cause the disease. Based on the score and internal cut-off values, a variant classified as likely benign is not then subjected to further curation. The score for this variant resulted in a classification of likely benign for this disease.

Center for Advanced Laboratory Medicine, UC San Diego Health, University of California San Diego
Classification: Benign for Hypertrophic cardiomyopathy. Last evaluated: 2017-02-22. Review status: criteria provided, single submitter. Criteria: ACMG Guidelines, 2015. Collection method: clinical testing. Allele origin: germline. Affected: yes. Observed: 1 variant allele.

Ambry Genetics
Classification: Benign for Cardiovascular phenotype. Last evaluated: 2016-07-19. Review status: criteria provided, single submitter. Criteria: Ambry Variant Classification Scheme 2023. Collection method: clinical testing. Allele origin: germline.

Biesecker Lab/Clinical Genomics Section, National Institutes of Health
Classification: Benign. Last evaluated: 2013-06-24. Review status: criteria provided, single submitter. Criteria: Ng et al. (Circ Cardiovasc Genet. 2013). Collection method: research. Allele origin: unknown. Observed: 3 variant alleles. Study: ClinSeq.
Comment: The study set was not selected for affection status in relation to any cancer. Pathogenicity categories were based on literature curation. See Pubmed ID:23861362 for details.

Medical sequencing

Laboratory for Molecular Medicine, Mass General Brigham Personalized Medicine
Classification: Benign. Last evaluated: 2012-05-07. Review status: criteria provided, single submitter. Criteria: LMM Criteria. Collection method: clinical testing. Allele origin: germline. Observed: 13 variant alleles.
Comment: Gly302Asp in Exon 11 of EYA4: This variant is not expected to have clinical sign ificance because it has been identified in 2.7% (101/3738) of African American c hromosomes from a broad population by the NHLBI Exome Sequencing Project (dbSNP rs75133151).

Breakthrough Genomics
Classification: Likely benign. Review status: criteria provided, single submitter. Criteria: ACMG Guidelines, 2015. Collection method: not provided. Allele origin: germline. Inheritance: Autosomal dominant inheritance. Affected: yes.

NM_004100.5(EYA4):c.905G>A (p.Gly302Asp)

Gene: EYA4 (EYA transcriptional coactivator and phosphatase 4; plus strand). Cytogenetic location: 6q23.2.
Variant type: single nucleotide variant.
Coding change: c.905G>A on transcript NM_004100.5 (MANE Select); coding-DNA position 905, G replaced by A.
Protein change: p.Gly302Asp; replaces glycine 302 with aspartic acid.
Molecular consequence: missense variant.
Genome position (GRCh38, 1-based): chr6:133,468,666, G>A. VCF-style: chr6-133468666-G-A. GRCh37 (hg19) VCF-style: chr6-133789804-G-A.
Other names: c.743G>A, p.Gly248Asp (NM_001301012.2, NM_001370459.1); c.905G>A, p.Gly302Asp (NM_001301013.2, NM_172105.4); c.836G>A, p.Gly279Asp (NM_001370458.1, NM_172103.4); short protein forms G302D, G279D, G248D.
Identifiers: ClinVar variation 163447 (VCV000163447.32), dbSNP rs75133151, ClinGen allele CA176095.